The following continues an entry in ClinVar:

NM_004415.4(DSP):c.5178C>A (p.Asn1726Lys)

Gene: DSP. ClinVar aggregate classification (germline): Conflicting classifications of pathogenicity. Uncertain significance (1); Benign (1); Likely benign (15).

Submissions 16 to 21 of 21:

Women's Health and Genetics/Laboratory Corporation of America, LabCorp
Classification: Likely benign. Last evaluated: 2017-03-13. Review status: criteria provided, single submitter. Criteria: LabCorp Variant Classification Summary - May 2015. Collection method: clinical testing. Allele origin: germline.
Comment: Variant summary: The DSP c.5178C>A (p.Asn1726Lys) variant involves the alteration of a non-conserved nucleotide. 2/3 in silico tools predict a benign outcome for this variant (SNPs&GO and MutationTaster not captured due to low reliability index). This variant was found in 106/121670 control chromosomes at a frequency of 0.0008712, which is approximately 87 times the estimated maximal expected allele frequency of a pathogenic DSP variant (0.00001), suggesting this variant is likely a benign polymorphism. The variant has been reported in the literature, without strong evidence for causality. In addition, multiple clinical diagnostic laboratories/reputable databases classified this variant as likely benign. Taken together, this variant is classified as likely benign.

Biesecker Lab/Clinical Genomics Section, National Institutes of Health
Classification: Likely benign. Last evaluated: 2013-06-24. Review status: criteria provided, single submitter. Criteria: Ng et al. (Circ Cardiovasc Genet. 2013). Collection method: research. Allele origin: unknown. Observed: 1 variant allele. Study: ClinSeq.
Comment: The study set was not selected for affection status in relation to any cancer. Pathogenicity categories were based on literature curation. See Pubmed ID:23861362 for details.

Medical sequencing

PreventionGenetics, part of Exact Sciences
Classification: Likely benign for DSP-related condition. Last evaluated: 2022-04-04. Review status: no assertion criteria provided. Collection method: clinical testing. Allele origin: germline. Not counted in ClinVar's aggregate classification.
Comment: This variant is classified as likely benign based on ACMG/AMP sequence variant interpretation guidelines (Richards et al. 2015 PMID: 25741868, with internal and published modifications).

Clinical Genetics, Academic Medical Center
Classification: Benign. Review status: no assertion criteria provided. Collection method: clinical testing. Allele origin: germline. Affected: yes. Study: VKGL Data-share Consensus. Not counted in ClinVar's aggregate classification.

Diagnostic Laboratory, Department of Genetics, University Medical Center Groningen
Classification: Likely benign. Review status: no assertion criteria provided. Collection method: clinical testing. Allele origin: germline. Affected: yes. Study: VKGL Data-share Consensus. Not counted in ClinVar's aggregate classification.

Genome Diagnostics Laboratory, University Medical Center Utrecht
Classification: Likely benign. Review status: no assertion criteria provided. Collection method: clinical testing. Allele origin: germline. Affected: yes. Study: VKGL Data-share Consensus. Not counted in ClinVar's aggregate classification.

Literature cited by the submitters: PubMed 20829228 (cited by 5 submitters); PubMed 29062697 (cited by Victorian Clinical Genetics Services, Murdoch Childrens Research Institute); PubMed 31333075 (cited by Klaassen Lab, Charite University Medicine Berlin); PubMed 31568572 (cited by Klaassen Lab, Charite University Medicine Berlin); PubMed 23861362 (cited by Ambry Genetics and Women's Health and Genetics/Laboratory Corporation of America, LabCorp); PubMed 25676813 (cited by Illumina Laboratory Services, Illumina); PubMed 23396983 (cited by Women's Health and Genetics/Laboratory Corporation of America, LabCorp).